The following is an entry in ClinVar:

NM_005732.4(RAD50):c.643C>G (p.Gln215Glu)

Gene: RAD50 (RAD50 double strand break repair protein; plus strand). Cytogenetic location: 5q31.1.
Variant type: single nucleotide variant.
Coding change: c.643C>G on transcript NM_005732.4 (MANE Select); coding-DNA position 643, C replaced by G.
Protein change: p.Gln215Glu; replaces glutamine 215 with glutamic acid.
Molecular consequence: missense variant.
Genome position (GRCh38, 1-based): chr5:132,579,953, C>G. VCF-style: chr5-132579953-C-G. GRCh37 (hg19) VCF-style: chr5-131915645-C-G.
Other names: short protein forms Q215E.
Identifiers: ClinVar variation 527333 (VCV000527333.9), dbSNP rs587781576, ClinGen allele CA360936117.
Genomic context (GRCh38, chr5:132,579,953, plus strand): 5'-GTACGTCAGACACAAGGTCAGAAAGTAAAAGAATATCAAATGGAACTAAAATATCTGAAG[C>G]AATATAAGGAAAAAGCTTGTGAGATTCGTGATCAGATTACAAGTAAGGAAGCCCAGTTAA-3'
Protein context (NP_005723.2, residues 205-225): EYQMELKYLK[Gln215Glu]YKEKACEIRD

ClinVar aggregate classification (germline): Uncertain significance (1 of 4 stars; one submission).

Conditions:
Hereditary cancer-predisposing syndrome. Also called: Neoplastic Syndromes, Hereditary; Tumor predisposition; Hereditary Cancer Syndrome; Hereditary neoplastic syndrome. Identifiers: Orphanet 140162, MedGen C0027672, MeSH D009386, MONDO:0015356.

Submission:

Labcorp Genetics (formerly Invitae), Labcorp
Classification: Uncertain significance for Hereditary cancer-predisposing syndrome. Last evaluated: 2017-12-03. Review status: criteria provided, single submitter. Criteria: Invitae Variant Classification Sherloc (09022015). Collection method: clinical testing. Allele origin: germline.
Comment: In summary, the available evidence is currently insufficient to determine the role of this variant in disease. Therefore, it has been classified as a Variant of Uncertain Significance. Algorithms developed to predict the effect of missense changes on protein structure and function (SIFT, PolyPhen-2, Align-GVGD) all suggest that this variant is likely to be tolerated, but these predictions have not been confirmed by published functional studies and their clinical significance is uncertain. This variant has not been reported in the literature in individuals with RAD50-related disease. This variant is not present in population databases (ExAC no frequency). This sequence change replaces glutamine with glutamic acid at codon 215 of the RAD50 protein (p.Gln215Glu). The glutamine residue is moderately conserved and there is a small physicochemical difference between glutamine and glutamic acid.